The following is an entry in ClinVar:

NM_000338.3(SLC12A1):c.2630-8C>T

Gene: SLC12A1 (solute carrier family 12 member 1; plus strand). Cytogenetic location: 15q21.1.
Variant type: single nucleotide variant.
Coding change: c.2630-8C>T on transcript NM_000338.3 (MANE Select); 8 bases into the intron before coding-DNA position 2630, C replaced by T.
Molecular consequence: intron variant.
Genome position (GRCh38, 1-based): chr15:48,288,035, C>T. VCF-style: chr15-48288035-C-T. GRCh37 (hg19) VCF-style: chr15-48580232-C-T.
Other names: c.2630-8C>T (NM_000338.2, NM_001384136.1, NM_001184832.2).
Identifiers: ClinVar variation 2891743 (VCV002891743.5), dbSNP rs200182388, ClinGen allele CA7547476.

ClinVar aggregate classification (germline): Likely benign. Review status: criteria provided, single submitter (1 of 4 stars). 2 submissions from 2 submitters: Likely benign (1). 1 of the submissions does not count toward it. Last evaluated 2024-01-25.

Conditions:
SLC12A1-related disorder. Also called: SLC12A1-related condition.

Allele frequency attached by ClinVar (database versions not stated): gnomAD exomes 0.00004; ExAC 0.00008; 1000 Genomes Project 30x 0.00016; 1000 Genomes Project 0.00020.
gnomAD v4.1: 75 of 1,605,594 alleles (0.0047%); highest among the groups gnomAD compares: East Asian, 0.13%; no homozygotes.

Submissions (2):

Labcorp Genetics (formerly Invitae), Labcorp
Classification: Likely benign. Last evaluated: 2024-01-25. Review status: criteria provided, single submitter. Criteria: Invitae Variant Classification Sherloc (09022015). Collection method: clinical testing. Allele origin: germline.

PreventionGenetics, part of Exact Sciences
Classification: Likely benign for SLC12A1-related condition. Last evaluated: 2019-08-09. Review status: no assertion criteria provided. Collection method: clinical testing. Allele origin: germline. Not counted in ClinVar's aggregate classification.
Comment: This variant is classified as likely benign based on ACMG/AMP sequence variant interpretation guidelines (Richards et al. 2015 PMID: 25741868, with internal and published modifications).